The following is an entry in ClinVar:

ClinVar aggregate classification (germline): Likely benign (1 of 4 stars; one submission).

Allele frequency attached by ClinVar (database versions not stated): 1000 Genomes Project 30x 0.00031; 1000 Genomes Project 0.00040.
gnomAD v4.1: 181 of 1,613,284 alleles (0.011%); highest among the groups gnomAD compares: South Asian, 0.13%; 2 homozygotes.

Submission:

CeGaT Center for Human Genetics Tuebingen
Classification: Likely benign. Last evaluated: 2024-03-01. Review status: criteria provided, single submitter. Criteria: CeGaT Center For Human Genetics Tuebingen Variant Classification Criteria Version 2. Collection method: clinical testing. Allele origin: germline. Affected: yes. Observed: 1 variant allele.
Comment: ZNF292: BP4, BS1

NM_015021.3(ZNF292):c.5422G>A (p.Asp1808Asn)

Gene: ZNF292 (zinc finger protein 292; plus strand). Cytogenetic location: 6q14.3.
Variant type: single nucleotide variant.
Coding change: c.5422G>A on transcript NM_015021.3 (MANE Select); coding-DNA position 5422, G replaced by A.
Protein change: p.Asp1808Asn; replaces aspartic acid 1808 with asparagine.
Molecular consequence: missense variant.
Genome position (GRCh38, 1-based): chr6:87,259,051, G>A. VCF-style: chr6-87259051-G-A. GRCh37 (hg19) VCF-style: chr6-87968769-G-A.
Other names: c.5002G>A, p.Asp1668Asn (NM_001351444.2); short protein forms D1668N, D1808N.
Identifiers: ClinVar variation 3067312 (VCV003067312.21), dbSNP rs556893194, ClinGen allele CA3914477.